The following is an entry in ClinVar:

NM_014515.7(CNOT2):c.176T>C (p.Leu59Pro)

Gene: CNOT2 (CCR4-NOT transcription complex subunit 2; plus strand). Cytogenetic location: 12q15.
Variant type: single nucleotide variant.
Coding change: c.176T>C on transcript NM_014515.7 (MANE Select); coding-DNA position 176, T replaced by C.
Protein change: p.Leu59Pro; replaces leucine 59 with proline.
Molecular consequence: missense variant. On other transcripts: non-coding transcript variant (1).
Genome position (GRCh38, 1-based): chr12:70,319,302, T>C. VCF-style: chr12-70319302-T-C. GRCh37 (hg19) VCF-style: chr12-70713082-T-C.
Other names: c.176T>C, p.Leu59Pro (NM_001199302.2, NM_001199303.2, NM_001414651.1 and 3 more transcripts); c.149T>C, p.Leu50Pro (NM_001414653.1, NM_001414654.1, NM_001414655.1); c.116T>C, p.Leu39Pro (NM_001414657.1, NM_001414658.1, NM_001414659.1 and 1 more transcripts); c.53T>C, p.Leu18Pro (NM_001414661.1); short protein forms L18P, L39P, L50P, L59P.
Identifiers: ClinVar variation 4823029 (VCV004823029.4).

ClinVar aggregate classification (germline): Uncertain significance (1 of 4 stars; one submission).

Submission:

CeGaT Center for Human Genetics Tuebingen
Classification: Uncertain significance. Last evaluated: 2026-01-01. Review status: criteria provided, single submitter. Criteria: CeGaT Center For Human Genetics Tuebingen Variant Classification Criteria Version 2. Collection method: clinical testing. Allele origin: germline. Affected: yes. Observed: 1 variant allele.
Comment: CNOT2: PM2